The following is an entry in ClinVar:

ClinVar aggregate classification (germline): Likely benign (0 of 4 stars; one submission).

Conditions:
REV3L-related disorder. Also called: REV3L-related condition.

Allele frequency attached by ClinVar (database versions not stated): ExAC 0.00001; gnomAD exomes 0.00001; TOPMed 0.00001; ESP Exome Variant Server 0.00008.
gnomAD v4.1: 16 of 1,614,062 alleles (0.00099%); highest among the groups gnomAD compares: Middle Eastern, 0.017%; no homozygotes.

Submission:

PreventionGenetics, part of Exact Sciences
Classification: Likely benign for REV3L-related condition. Last evaluated: 2019-03-25. Review status: no assertion criteria provided. Collection method: clinical testing. Allele origin: germline.
Comment: This variant is classified as likely benign based on ACMG/AMP sequence variant interpretation guidelines (Richards et al. 2015 PMID: 25741868, with internal and published modifications).

NM_001372078.1(REV3L):c.8938C>T (p.Leu2980=)

Gene: REV3L (REV3 like, DNA directed polymerase zeta catalytic subunit; minus strand). Cytogenetic location: 6q21.
Variant type: single nucleotide variant.
Coding change: c.8938C>T on transcript NM_001372078.1 (MANE Select); coding-DNA position 8938, C replaced by T.
Protein change: p.Leu2980=; no amino-acid change (leucine 2980 retained).
Molecular consequence: synonymous variant.
Genome position (GRCh38, 1-based): chr6:111,309,957, G>A on the plus strand (C>T on the coding strand, the complement: REV3L is on the minus strand). VCF-style: chr6-111309957-G-A. GRCh37 (hg19) VCF-style: chr6-111631160-G-A.
Other names: c.8704C>T, p.Leu2902= (NM_001286431.2, NM_001286432.2); c.8938C>T, p.Leu2980= (NM_002912.5).
Identifiers: ClinVar variation 3057510 (VCV003057510.2), dbSNP rs369318693, ClinGen allele CA3961136.